The following is an entry in ClinVar:

NM_003072.5(SMARCA4):c.2616+2_2616+5dup

Gene: SMARCA4 (SWI/SNF related BAF chromatin remodeling complex subunit ATPase 4; plus strand). Cytogenetic location: 19p13.2.
Variant type: Duplication.
Coding change: c.2616+2_2616+5dup on transcript NM_003072.5 (MANE Select); the canonical splice donor site of the intron after coding-DNA position 2616 through 5 bases into the intron after coding-DNA position 2616, 4 bases duplicated (TAAC; older notation c.2616+2_2616+5dupTAAC).
Molecular consequence: splice donor variant.
Genome position (GRCh38, 1-based): chr19:11,019,703-11,019,706, TAAC duplicated. VCF-style (leftmost placement, unchanged base first): chr19-11019702-G-GTAAC. GRCh37 (hg19) VCF-style: chr19-11130378-G-GTAAC.
Other names: c.2616+2_2616+5dupTAAC (NM_001128849.1); c.2616+2_2616+5dup (NM_001128844.3, NM_001128849.3, NM_001128847.4 and 5 more transcripts).
Identifiers: ClinVar variation 537805 (VCV000537805.8), dbSNP rs1555777830, ClinGen allele CA658799121.

ClinVar aggregate classification (germline): Uncertain significance (1 of 4 stars; one submission).

Conditions:
Rhabdoid tumor predisposition syndrome 2 (RTPS2). Identifiers: Orphanet 231108, Orphanet 69077, MedGen C2750074, MONDO:0013224, OMIM 613325.

Submission:

Labcorp Genetics (formerly Invitae), Labcorp
Classification: Uncertain significance for Rhabdoid tumor predisposition syndrome 2. Last evaluated: 2020-02-24. Review status: criteria provided, single submitter. Criteria: Invitae Variant Classification Sherloc (09022015). Collection method: clinical testing. Allele origin: germline.
Comment: This sequence change falls in intron 18 of the SMARCA4 gene. It does not directly change the encoded amino acid sequence of the SMARCA4 protein, but it affects a nucleotide within the consensus splice site of the intron. This variant is not present in population databases (ExAC no frequency). This variant has not been reported in the literature in individuals with SMARCA4-related disease. Nucleotide substitutions within the consensus splice site are a relatively common cause of aberrant splicing (PMID: 17576681, 9536098). Algorithms developed to predict the effect of sequence changes on RNA splicing suggest that this variant is not likely to affect RNA splicing, but this prediction has not been confirmed by published transcriptional studies. In summary, the available evidence is currently insufficient to determine the role of this variant in disease. Therefore, it has been classified as a Variant of Uncertain Significance.

Literature cited by the submitters: PubMed 17576681; PubMed 9536098.